The following is an entry in ClinVar:

NM_002227.4(JAK1):c.918C>T (p.Asp306=)

Gene: JAK1 (Janus kinase 1; minus strand). Cytogenetic location: 1p31.3.
Variant type: single nucleotide variant.
Coding change: c.918C>T on transcript NM_002227.4 (MANE Select); coding-DNA position 918, C replaced by T.
Protein change: p.Asp306=; no amino-acid change (aspartic acid 306 retained).
Molecular consequence: synonymous variant.
Genome position (GRCh38, 1-based): chr1:64,866,938, G>A on the plus strand (C>T on the coding strand, the complement: JAK1 is on the minus strand). VCF-style: chr1-64866938-G-A. GRCh37 (hg19) VCF-style: chr1-65332621-G-A.
Other names: c.918C>T, p.Asp306= (NM_001320923.2, NM_001321852.2, NM_001321853.2 and 4 more transcripts).
Identifiers: ClinVar variation 1927507 (VCV001927507.30), dbSNP rs377267171, ClinGen allele CA893074.

ClinVar aggregate classification (germline): Likely benign. Review status: criteria provided, multiple submitters, no conflicts (2 of 4 stars). 3 submissions from 3 submitters: Likely benign (3). Last evaluated 2025-03-01.

Allele frequency attached by ClinVar (database versions not stated): ExAC 0.00002; gnomAD exomes 0.00002; TOPMed 0.00002; gnomAD 0.00003; ESP Exome Variant Server 0.00008.
gnomAD v4.1: 36 of 1,614,024 alleles (0.0022%); highest among the groups gnomAD compares: African/African-American, 0.0053%; no homozygotes.

Submissions (3):

Labcorp Genetics (formerly Invitae), Labcorp
Classification: Likely benign. Last evaluated: 2025-03-01. Review status: criteria provided, single submitter. Criteria: Invitae Variant Classification Sherloc (09022015). Collection method: clinical testing. Allele origin: germline.

CeGaT Center for Human Genetics Tuebingen
Classification: Likely benign. Last evaluated: 2023-06-01. Review status: criteria provided, single submitter. Criteria: CeGaT Center For Human Genetics Tuebingen Variant Classification Criteria Version 2. Collection method: clinical testing. Allele origin: germline. Affected: yes. Observed: 1 variant allele.
Comment: JAK1: BP4, BP7

Blueprint Genetics
Classification: Likely benign. Last evaluated: 2021-07-22. Review status: criteria provided, single submitter. Criteria: ACMG Guidelines, 2015. Collection method: clinical testing. Allele origin: germline.